The following is an entry in ClinVar:

NM_002635.4(SLC25A3):c.429T>C (p.Phe143=)

Gene: SLC25A3 (solute carrier family 25 member 3; plus strand). Cytogenetic location: 12q23.1.
Variant type: single nucleotide variant.
Coding change: c.429T>C on transcript NM_002635.4 (MANE Select); coding-DNA position 429, T replaced by C.
Protein change: p.Phe143=; no amino-acid change (phenylalanine 143 retained).
Molecular consequence: synonymous variant.
Genome position (GRCh38, 1-based): chr12:98,598,005, T>C. VCF-style: chr12-98598005-T-C. GRCh37 (hg19) VCF-style: chr12-98991783-T-C.
Other names: c.432T>C, p.Phe144= (NM_005888.4); c.429T>C, p.Phe143= (NM_213611.3).
Identifiers: ClinVar variation 392123 (VCV000392123.2), dbSNP rs766618563, ClinGen allele CA6732958.

ClinVar aggregate classification (germline): Likely benign. Review status: criteria provided, multiple submitters, no conflicts (2 of 4 stars). 2 submissions from 2 submitters: Likely benign (2). Last evaluated 2023-01-10.

Allele frequency attached by ClinVar (database versions not stated): TOPMed 0.00001; ExAC 0.00002; gnomAD exomes 0.00002 and 0.00003.
gnomAD v4.1: 26 of 1,613,574 alleles (0.0016%); highest among the groups gnomAD compares: South Asian, 0.022%; no homozygotes.

Submissions (2):

Blueprint Genetics
Classification: Likely benign. Last evaluated: 2023-01-10. Review status: criteria provided, single submitter. Criteria: ACMG Guidelines, 2015. Collection method: clinical testing. Allele origin: germline.

GeneDx
Classification: Likely benign. Last evaluated: 2017-01-05. Review status: criteria provided, single submitter. Criteria: GeneDx Variant Classification (06012015). Collection method: clinical testing. Allele origin: germline. Affected: yes.
Comment: This variant is considered likely benign or benign based on one or more of the following criteria: it is a conservative change, it occurs at a poorly conserved position in the protein, it is predicted to be benign by multiple in silico algorithms, and/or has population frequency not consistent with disease.